The following is an entry in ClinVar:

ClinVar aggregate classification (germline): Uncertain significance (1 of 4 stars; one submission).

Conditions:
Hereditary cancer-predisposing syndrome. Also called: Hereditary neoplastic syndrome; Neoplastic Syndromes, Hereditary; Tumor predisposition; Hereditary Cancer Syndrome. Identifiers: Orphanet 140162, MedGen C0027672, MeSH D009386, MONDO:0015356.

Submission:

Ambry Genetics
Classification: Uncertain significance for Hereditary cancer-predisposing syndrome. Last evaluated: 2025-08-27. Review status: criteria provided, single submitter. Criteria: Ambry Variant Classification Scheme 2023. Collection method: clinical testing. Allele origin: germline.
Comment: The p.S164R variant (also known as c.492T>A), located in coding exon 6 of the MUTYH gene, results from a T to A substitution at nucleotide position 492. The serine at codon 164 is replaced by arginine, an amino acid with dissimilar properties. This amino acid position is conserved. In addition, this alteration is predicted to be tolerated by in silico analysis. Based on the available evidence, the clinical significance of this variant remains unclear.

NM_001048174.2(MUTYH):c.408T>A (p.Ser136Arg)

Gene: MUTYH (mutY DNA glycosylase; minus strand). Cytogenetic location: 1p34.1.
Variant type: single nucleotide variant.
Coding change: c.408T>A on transcript NM_001048174.2 (MANE Select); coding-DNA position 408, T replaced by A.
Protein change: p.Ser136Arg; replaces serine 136 with arginine.
Molecular consequence: missense variant. On other transcripts: intron variant (4), non-coding transcript variant (6).
Genome position (GRCh38, 1-based): chr1:45,332,930, A>T on the plus strand (T>A on the coding strand, the complement: MUTYH is on the minus strand). VCF-style: chr1-45332930-A-T. GRCh37 (hg19) VCF-style: chr1-45798602-A-T.
Other names: c.421-96T>A (NM_001407073.1); c.454-96T>A (NM_001407069.1); c.379-96T>A (NM_001407080.1); c.382-96T>A (NM_001407079.1); c.411T>A, p.Ser137Arg (NM_001407086.1, NM_001407078.1, NM_001048172.2 and 1 more transcripts); c.429T>A, p.Ser143Arg (NM_001407087.1); c.408T>A, p.Ser136Arg (NM_001407088.1, NM_001407089.1, NM_001407081.1 and 5 more transcripts); c.132T>A, p.Ser44Arg (NM_001407091.1, NM_001293192.2, NM_001293196.2); and 7 more; short protein forms S108R, S137R, S150R, S161R, S164R, S151R, S143R, S21R.
Identifiers: ClinVar variation 4113690 (VCV004113690.1).